The following is an entry in ClinVar:

ClinVar aggregate classification (germline): Uncertain significance (1 of 4 stars; one submission).

Allele frequency attached by ClinVar (database versions not stated): gnomAD exomes below 0.00001; 1000 Genomes Project 30x 0.00016; ExAC 0.00002; TOPMed 0.00002; gnomAD 0.00003; 1000 Genomes Project 0.00020.
gnomAD v4.1: 6 of 1,613,726 alleles (0.00037%); highest among the groups gnomAD compares: African/African-American, 0.008%; no homozygotes.

Submission:

Labcorp Genetics (formerly Invitae), Labcorp
Classification: Uncertain significance. Last evaluated: 2022-11-07. Review status: criteria provided, single submitter. Criteria: Invitae Variant Classification Sherloc (09022015). Collection method: clinical testing. Allele origin: germline.
Comment: This variant has not been reported in the literature in individuals affected with ELOVL4-related conditions. This variant is present in population databases (rs554644219, gnomAD 0.01%). This sequence change replaces valine, which is neutral and non-polar, with alanine, which is neutral and non-polar, at codon 193 of the ELOVL4 protein (p.Val193Ala). Advanced modeling of protein sequence and biophysical properties (such as structural, functional, and spatial information, amino acid conservation, physicochemical variation, residue mobility, and thermodynamic stability) performed at Invitae indicates that this missense variant is not expected to disrupt ELOVL4 protein function. In summary, the available evidence is currently insufficient to determine the role of this variant in disease. Therefore, it has been classified as a Variant of Uncertain Significance.

NM_022726.4(ELOVL4):c.578T>C (p.Val193Ala)

Gene: ELOVL4 (ELOVL fatty acid elongase 4; minus strand). Cytogenetic location: 6q14.1.
Variant type: single nucleotide variant.
Coding change: c.578T>C on transcript NM_022726.4 (MANE Select); coding-DNA position 578, T replaced by C.
Protein change: p.Val193Ala; replaces valine 193 with alanine.
Molecular consequence: missense variant.
Genome position (GRCh38, 1-based): chr6:79,919,511, A>G on the plus strand (T>C on the coding strand, the complement: ELOVL4 is on the minus strand). VCF-style: chr6-79919511-A-G. GRCh37 (hg19) VCF-style: chr6-80629228-A-G.
Other names: short protein forms V193A.
Identifiers: ClinVar variation 2072632 (VCV002072632.4), dbSNP rs554644219, ClinGen allele CA3901500.